The following is an entry in ClinVar:

ClinVar aggregate classification (germline): Likely benign (0 of 4 stars; one submission).

Conditions:
FBXO38-related disorder. Also called: FBXO38-related condition.

Submission:

PreventionGenetics, part of Exact Sciences
Classification: Likely benign for FBXO38-related condition. Last evaluated: 2019-07-25. Review status: no assertion criteria provided. Collection method: clinical testing. Allele origin: germline.
Comment: This variant is classified as likely benign based on ACMG/AMP sequence variant interpretation guidelines (Richards et al. 2015 PMID: 25741868, with internal and published modifications).

NM_205836.3(FBXO38):c.731-6_731-5del

Gene: FBXO38 (F-box protein 38; plus strand). Cytogenetic location: 5q32.
Variant type: Deletion.
Coding change: c.731-6_731-5del on transcript NM_205836.3 (MANE Select); 6 bases into the intron before coding-DNA position 731 through 5 bases into the intron before coding-DNA position 731, 2 bases deleted (TT; older notation c.731-6_731-5delTT).
Molecular consequence: intron variant.
Genome position (GRCh38, 1-based): chr5:148,406,251-148,406,252, TT deleted; deleting any 2 consecutive bases within chr5:148,406,240-148,406,252 gives the same sequence; the c. name uses the placement nearest the transcript's 3' end. VCF-style (leftmost placement, unchanged base first): chr5-148406239-ATT-A. GRCh37 (hg19) VCF-style: chr5-147785802-ATT-A.
Other names: c.731-6_731-5del (NM_030793.5, NM_001271723.2).
Identifiers: ClinVar variation 3050190 (VCV003050190.2), dbSNP rs201558003, ClinGen allele CA3497115.